The following is an entry in ClinVar:

ClinVar aggregate classification (germline): Uncertain significance. Review status: criteria provided, multiple submitters, no conflicts (2 of 4 stars). 3 submissions from 3 submitters: Uncertain significance (3). Last evaluated 2022-11-28.

Conditions:
Cardiovascular phenotype. Identifiers: MedGen CN230736.

Allele frequency attached by ClinVar (database versions not stated): gnomAD exomes below 0.00001; ExAC 0.00001; TOPMed 0.00001.
gnomAD v4.1: 7 of 1,614,010 alleles (0.00043%); highest among the groups gnomAD compares: South Asian, 0.0022%; no homozygotes.

Submissions (3):

Clinical Genomics Laboratory, Stanford Medicine
Classification: Uncertain significance. Last evaluated: 2022-11-28. Review status: criteria provided, single submitter. Criteria: ACMG Guidelines, 2015. Collection method: clinical testing. Allele origin: germline. Observed: 1 variant allele, 1 heterozygote.
Comment: The p.Arg1194Cys variant in the MYPN gene has not been previously reported in association with disease. This variant has also been identified in 1/30610 South Asian chromosomes by the Genome Aggregation Database. This variant is present in ClinVar (Accession: VCV000235039.3). Computational tools predict that this variant is deleterious; however, the accuracy of in silico algorithms is limited. These data were assessed using the ACMG/AMP variant interpretation guidelines. In summary, the significance of the p.Arg1194Cys variant is uncertain. Additional information is needed to resolve the significance of this variant. [ACMG evidence codes used: PM2; PP3]

Stanford Center for Inherited Cardiovascular Disease, Stanford University
Classification: Uncertain significance. Last evaluated: 2013-10-16. Review status: criteria provided, single submitter. Criteria: ACMG Guidelines, 2015. Collection method: provider interpretation. Allele origin: germline.

Ambry Genetics
Classification: Uncertain significance for Cardiovascular phenotype. Last evaluated: 2013-08-09. Review status: criteria provided, single submitter. Criteria: Ambry Autosomal Dominant and X-Linked criteria (10/2015). Collection method: clinical testing. Allele origin: germline. Observed: 1 variant allele.
Comment: The p.R1194C variant (also known as c.3580C>T) is located in coding exon 17 of the MYPNgene. This alteration results from a C to T substitution at nucleotide position 3580. The arginine at codon 1194 is replaced by cysteine, an amino acid with highly dissimilar properties.Ã¢â‚¬â€¹Ã¢â‚¬â€¹ This variant was not reported in population-based cohorts in the following databases: Database of Single Nucleotide Polymorphisms (dbSNP), the 1000 Genomes Project and the NHLBI Exome Sequencing Project (ESP). In the ESP, this variant was not observed in 6503 samples (13006 alleles) with coverage at this position.Based on protein sequence alignment, this amino acid position is highly conserved in available vertebrate species.In addition, the in silico prediction for this alteration is inconclusive.Since supporting evidence is limited at this time, the clinical significance of this variant remains unclear.

NM_032578.4(MYPN):c.3580C>T (p.Arg1194Cys)

Gene: MYPN (myopalladin; plus strand). Cytogenetic location: 10q21.3.
Variant type: single nucleotide variant.
Coding change: c.3580C>T on transcript NM_032578.4 (MANE Select); coding-DNA position 3580, C replaced by T.
Protein change: p.Arg1194Cys; replaces arginine 1194 with cysteine.
Molecular consequence: missense variant. On other transcripts: non-coding transcript variant (2).
Genome position (GRCh38, 1-based): chr10:68,201,915, C>T. VCF-style: chr10-68201915-C-T. GRCh37 (hg19) VCF-style: chr10-69961672-C-T.
Other names: c.3580C>T, p.Arg1194Cys (NM_001256267.2); c.2698C>T, p.Arg900Cys (NM_001256268.2); short protein forms R1194C, R900C.
Identifiers: ClinVar variation 235039 (VCV000235039.5), dbSNP rs762310456, ClinGen allele CA5523096.